The following is an entry in ClinVar:

ClinVar aggregate classification (germline): Pathogenic (1 of 4 stars; one submission).

Submission:

GeneDx
Classification: Pathogenic. Last evaluated: 2015-12-10. Review status: criteria provided, single submitter. Criteria: GeneDx Variant Classification (06012015). Collection method: clinical testing. Allele origin: germline. Affected: yes.
Comment: While the nonsense variant C84X in the ALOX12B gene has not been previously reported to be pathogenic, it is predicted to cause loss of normal protein function either through protein truncation or nonsense-mediated mRNA decay. Other loss-of-function variants downstream of C84X were observed in association with autosomal recessive congenital ichthyosis (Stenson et al., 2014). Moreover, this nonsense variant was not observed in approximately 6,500 individuals of European and African American ancestry in the NHLBI Exome Sequencing Project, indicating it is not a common and/or benign variant in these populations.Therefore, we consider C84X to be a pathogenic variant.

NM_001139.3(ALOX12B):c.252C>A (p.Cys84Ter)

Gene: ALOX12B (arachidonate 12-lipoxygenase, 12R type; minus strand). Cytogenetic location: 17p13.1.
Variant type: single nucleotide variant.
Coding change: c.252C>A on transcript NM_001139.3 (MANE Select); coding-DNA position 252, C replaced by A.
Protein change: p.Cys84Ter; replaces cysteine 84 with a stop codon.
Molecular consequence: nonsense.
Genome position (GRCh38, 1-based): chr17:8,086,116, G>T on the plus strand (C>A on the coding strand, the complement: ALOX12B is on the minus strand). VCF-style: chr17-8086116-G-T. GRCh37 (hg19) VCF-style: chr17-7989434-G-T.
Other names: c.252C>A, p.Cys84Ter (LRG_1264t1); short protein forms C84*.
Identifiers: ClinVar variation 280119 (VCV000280119.2), dbSNP rs886041394, ClinGen allele CA10603473.